The following is an entry in ClinVar:

ClinVar aggregate classification (germline): Pathogenic (1 of 4 stars; one submission).

Conditions:
Bloom syndrome (BLM). Also called: Bloom-Torre-Machacek syndrome. Identifiers: Orphanet 125, MedGen C0005859, MONDO:0008876, OMIM 210900.

Submission:

Labcorp Genetics (formerly Invitae), Labcorp
Classification: Pathogenic for Bloom syndrome. Last evaluated: 2021-03-31. Review status: criteria provided, single submitter. Criteria: Invitae Variant Classification Sherloc (09022015). Collection method: clinical testing. Allele origin: germline.
Comment: For these reasons, this variant has been classified as Pathogenic. This variant has not been reported in the literature in individuals with BLM-related conditions. This variant is not present in population databases (ExAC no frequency). This sequence change creates a premature translational stop signal (p.Glu598Aspfs*19) in the BLM gene. It is expected to result in an absent or disrupted protein product. Loss-of-function variants in BLM are known to be pathogenic (PMID: 17407155).

Literature cited by the submitters: PubMed 17407155.

NM_000057.4(BLM):c.1794_1797del (p.Glu598fs)

Gene: BLM (BLM RecQ like helicase; plus strand). Cytogenetic location: 15q26.1.
Variant type: Deletion.
Coding change: c.1794_1797del on transcript NM_000057.4 (MANE Select); coding-DNA positions 1794 to 1797, 4 bases deleted (AAGA; older notation c.1794_1797delAAGA).
Protein change: p.Glu598fs; shifts the reading frame from glutamic acid 598.
Molecular consequence: frameshift variant.
Genome position (GRCh38, 1-based): chr15:90,761,167-90,761,170, AAGA deleted; deleting any 4 consecutive bases within chr15:90,761,164-90,761,170 gives the same sequence; the c. name uses the placement nearest the transcript's 3' end. VCF-style (leftmost placement, unchanged base first): chr15-90761163-CAGAA-C. GRCh37 (hg19) VCF-style: chr15-91304393-CAGAA-C.
Other names: c.1794_1797del, p.Glu598fs (NM_001287246.2, NM_001287247.2); c.669_672del, p.Glu223fs (NM_001287248.2); short protein forms E598fs, E223fs.
Identifiers: ClinVar variation 1446882 (VCV001446882.6), dbSNP rs2151158979, ClinGen allele CA2573151483.